The following is an entry in ClinVar:

ClinVar aggregate classification (germline): Uncertain significance (1 of 4 stars; one submission).

Conditions:
Autosomal recessive polycystic kidney disease (ARPKD). Also called: AR polycystic kidney disease. Identifiers: Orphanet 731, Orphanet 8378, MedGen C0085548, MeSH D017044, MONDO:0009889.

gnomAD v4.1: 4 of 1,613,948 alleles (0.00025%); highest among the groups gnomAD compares: Non-Finnish European, 0.00034%; no homozygotes.

Submission:

Labcorp Genetics (formerly Invitae), Labcorp
Classification: Uncertain significance for Autosomal recessive polycystic kidney disease. Last evaluated: 2024-11-27. Review status: criteria provided, single submitter. Criteria: Invitae Variant Classification Sherloc (09022015). Collection method: clinical testing. Allele origin: germline.
Comment: This sequence change replaces valine, which is neutral and non-polar, with isoleucine, which is neutral and non-polar, at codon 1061 of the PKHD1 protein (p.Val1061Ile). This variant is not present in population databases (gnomAD no frequency). This variant has not been reported in the literature in individuals affected with PKHD1-related conditions. Invitae Evidence Modeling of protein sequence and biophysical properties (such as structural, functional, and spatial information, amino acid conservation, physicochemical variation, residue mobility, and thermodynamic stability) indicates that this missense variant is not expected to disrupt PKHD1 protein function with a negative predictive value of 95%. In summary, the available evidence is currently insufficient to determine the role of this variant in disease. Therefore, it has been classified as a Variant of Uncertain Significance.

NM_138694.4(PKHD1):c.3181G>A (p.Val1061Ile)

Gene: PKHD1 (PKHD1 ciliary IPT domain containing fibrocystin/polyductin; minus strand). Cytogenetic location: 6p12.2.
Variant type: single nucleotide variant.
Coding change: c.3181G>A on transcript NM_138694.4 (MANE Select); coding-DNA position 3181, G replaced by A.
Protein change: p.Val1061Ile; replaces valine 1061 with isoleucine.
Molecular consequence: missense variant.
Genome position (GRCh38, 1-based): chr6:52,035,638, C>T on the plus strand (G>A on the coding strand, the complement: PKHD1 is on the minus strand). VCF-style: chr6-52035638-C-T. GRCh37 (hg19) VCF-style: chr6-51900436-C-T.
Other names: c.3181G>A, p.Val1061Ile (NM_170724.3); short protein forms V1061I.
Identifiers: ClinVar variation 3669041 (VCV003669041.2).
Genomic context (GRCh38, chr6:52,035,638, plus strand): 5'-GGAATCCACTTACCCTGGGTGGAACTTTGCACTGAATTCTGCTTGAATTGCTTGTAGCGA[C>T]ATTGATGGCACACGAGTAAGATCCAAATAATATCAGGCTAACACCTTCCAAACTAGAGCC-3'
Protein context (NP_619639.3, residues 1051-1071): LFGSYSCAIN[Val1061Ile]ATSNSSRIQC